The following is an entry in ClinVar:

NM_005076.5(CNTN2):c.723C>G (p.Ile241Met)

Gene: CNTN2 (contactin 2; plus strand). Cytogenetic location: 1q32.1.
Variant type: single nucleotide variant.
Coding change: c.723C>G on transcript NM_005076.5 (MANE Select); coding-DNA position 723, C replaced by G.
Protein change: p.Ile241Met; replaces isoleucine 241 with methionine.
Molecular consequence: missense variant. On other transcripts: non-coding transcript variant (1).
Genome position (GRCh38, 1-based): chr1:205,059,608, C>G. VCF-style: chr1-205059608-C-G. GRCh37 (hg19) VCF-style: chr1-205028736-C-G.
Other names: c.723C>G, p.Ile241Met (NM_001346083.2); c.723C>G (NM_005076.3); short protein forms I241M.
Identifiers: ClinVar variation 1462289 (VCV001462289.6), dbSNP rs1653860952, ClinGen allele CA344407460.

ClinVar aggregate classification (germline): Uncertain significance. Review status: criteria provided, multiple submitters, no conflicts (2 of 4 stars). 2 submissions from 2 submitters: Uncertain significance (2). Last evaluated 2022-01-05.

Conditions:
Epilepsy, familial adult myoclonic, 5 (EPEO5). Also called: CORTICAL MYOCLONIC TREMOR WITH EPILEPSY, FAMILIAL, 5. Identifiers: Orphanet 86814, MedGen C3809374, MONDO:0014167, OMIM 615400.

Allele frequency attached by ClinVar (database versions not stated): gnomAD exomes 0.00001; TOPMed 0.00001.
gnomAD v4.1: 18 of 1,614,236 alleles (0.0011%); highest among the groups gnomAD compares: Non-Finnish European, 0.0013%; no homozygotes.

Submissions (2):

Ambry Genetics
Classification: Uncertain significance. Last evaluated: 2022-01-05. Review status: criteria provided, single submitter. Criteria: Ambry Variant Classification Scheme 2023. Collection method: clinical testing. Allele origin: germline.

Labcorp Genetics (formerly Invitae), Labcorp
Classification: Uncertain significance for Epilepsy, familial adult myoclonic, 5. Last evaluated: 2021-08-19. Review status: criteria provided, single submitter. Criteria: Invitae Variant Classification Sherloc (09022015). Collection method: clinical testing. Allele origin: germline.
Comment: In summary, the available evidence is currently insufficient to determine the role of this variant in disease. Therefore, it has been classified as a Variant of Uncertain Significance. Advanced modeling of protein sequence and biophysical properties (such as structural, functional, and spatial information, amino acid conservation, physicochemical variation, residue mobility, and thermodynamic stability) performed at Invitae indicates that this missense variant is not expected to disrupt CNTN2 protein function. This variant has not been reported in the literature in individuals affected with CNTN2-related conditions. This variant is not present in population databases (ExAC no frequency). This sequence change replaces isoleucine with methionine at codon 241 of the CNTN2 protein (p.Ile241Met). The isoleucine residue is highly conserved and there is a small physicochemical difference between isoleucine and methionine.